The following is an entry in ClinVar:

ClinVar aggregate classification (germline): Uncertain significance (1 of 4 stars; one submission).

Conditions:
Congenital sideroblastic anemia-B-cell immunodeficiency-periodic fever-developmental delay syndrome. Also called: Sideroblastic anemia with B-cell immunodeficiency, periodic fevers, and developmental delay. Identifiers: Orphanet 369861, MedGen C4015172, MONDO:0014487, OMIM 616084.

Allele frequency attached by ClinVar (database versions not stated): gnomAD 0.00001; TOPMed 0.00001.

Submission:

Labcorp Genetics (formerly Invitae), Labcorp
Classification: Uncertain significance for Congenital sideroblastic anemia-B-cell immunodeficiency-periodic fever-developmental delay syndrome. Last evaluated: 2022-07-02. Review status: criteria provided, single submitter. Criteria: Invitae Variant Classification Sherloc (09022015). Collection method: clinical testing. Allele origin: germline.
Comment: This sequence change replaces leucine, which is neutral and non-polar, with valine, which is neutral and non-polar, at codon 27 of the TRNT1 protein (p.Leu27Val). This variant is present in population databases (no rsID available, gnomAD 0.008%). In summary, the available evidence is currently insufficient to determine the role of this variant in disease. Therefore, it has been classified as a Variant of Uncertain Significance. Algorithms developed to predict the effect of missense changes on protein structure and function output the following: SIFT: "Tolerated"; PolyPhen-2: "Benign"; Align-GVGD: "Class C0". The valine amino acid residue is found in multiple mammalian species, which suggests that this missense change does not adversely affect protein function. This variant has not been reported in the literature in individuals affected with TRNT1-related conditions.

NM_182916.3(TRNT1):c.79C>G (p.Leu27Val)

Gene: TRNT1 (tRNA nucleotidyl transferase 1; plus strand). Cytogenetic location: 3p26.2.
Variant type: single nucleotide variant.
Coding change: c.79C>G on transcript NM_182916.3 (MANE Select); coding-DNA position 79, C replaced by G.
Protein change: p.Leu27Val; replaces leucine 27 with valine.
Molecular consequence: missense variant. On other transcripts: non-coding transcript variant (11).
Genome position (GRCh38, 1-based): chr3:3,129,119, C>G. VCF-style: chr3-3129119-C-G. GRCh37 (hg19) VCF-style: chr3-3170803-C-G.
Other names: c.79C>G, p.Leu27Val (NM_001302946.2, NM_001367321.1, NM_001367322.1 and 1 more transcripts); short protein forms L27V.
Identifiers: ClinVar variation 2166343 (VCV002166343.2), dbSNP rs779515627, ClinGen allele CA351442247.
Genomic context (GRCh38, chr3:3,129,119, plus strand): 5'-CATTGGCACAGGCCAGTGCTGAACCGTAGGTGGAGTAGGCTGTGCCTTCCGAAGCAGTAT[C>G]TATTCACAATGAAGTTGCAGTCTCCCGAATTCCAGTCACTTTTCACAGAAGGACTGAAGA-3'
Protein context (NP_886552.3, residues 17-37): WSRLCLPKQY[Leu27Val]FTMKLQSPEF